The following is an entry in ClinVar:

ClinVar aggregate classification (germline): Pathogenic/Likely pathogenic. Review status: criteria provided, multiple submitters, no conflicts (2 of 4 stars). 3 submissions from 3 submitters: Pathogenic (1); Likely pathogenic (1). 1 of the submissions does not count toward it. Last evaluated 2025-09-24.

Conditions:
Propionic acidemia (PROP). Also called: GLYCINEMIA, KETOTIC; HYPERGLYCINEMIA WITH KETOACIDOSIS AND LEUKOPENIA; KETOTIC HYPERGLYCINEMIA. Identifiers: Orphanet 35, MedGen C0268579, MONDO:0011628, OMIM 606054, HP:0003571.

Allele frequency attached by ClinVar (database versions not stated): gnomAD exomes below 0.00001.

Submissions (3):

Labcorp Genetics (formerly Invitae), Labcorp
Classification: Pathogenic for Propionic acidemia. Last evaluated: 2025-09-24. Review status: criteria provided, single submitter. Criteria: Invitae Variant Classification Sherloc (09022015). Collection method: clinical testing. Allele origin: germline.
Comment: This sequence change is expected to alter the c-terminus of the PCCB protein (p.Ile460Thrfs*89). While this is not anticipated to result in nonsense mediated decay, it is expected to disrupt the last 80 amino acid(s) of the PCCB protein and extend the protein by 8 additional amino acid residues. This variant is present in population databases (no rsID available, gnomAD 0.0009%). This variant has not been reported in the literature in individuals affected with PCCB-related conditions. ClinVar contains an entry for this variant (Variation ID: 558001). This variant disrupts a region of the PCCB protein in which other variant(s) (p.Arg514*) have been determined to be pathogenic (PMID: 11136555, 24059531, 27227689). This suggests that this is a clinically significant region of the protein, and that variants that disrupt it are likely to be disease-causing. For these reasons, this variant has been classified as Pathogenic.

Natera, Inc.
Classification: Likely pathogenic for Propionic acidemia. Last evaluated: 2025-06-05. Review status: criteria provided, single submitter. Criteria: Natera Variant Classification Schema (03/2026). Collection method: clinical testing. Allele origin: germline.
Comment: The c.1379_1385del variant in PCCB is a frameshift variant predicted to elongate the protein beyond the termination codon. This variant is expected to result in nonsense mediated decay, truncation, or a dysfunctional protein product. This variant is rare in the general population with a frequency below the threshold expected for the associated phenotype(s). Given the available evidence, this variant is classified as Likely Pathogenic.

Counsyl
Classification: Likely pathogenic for Propionic acidemia. Last evaluated: 2018-04-27. Review status: no assertion criteria provided. Collection method: clinical testing. Allele origin: unknown. Not counted in ClinVar's aggregate classification.

Literature cited by the submitters: PubMed 11136555 (cited by Labcorp Genetics (formerly Invitae), Labcorp); PubMed 24059531 (cited by Labcorp Genetics (formerly Invitae), Labcorp); PubMed 27227689 (cited by Labcorp Genetics (formerly Invitae), Labcorp).

NM_000532.5(PCCB):c.1379_1385del (p.Ile460fs)

Gene: PCCB (propionyl-CoA carboxylase subunit beta; plus strand). Cytogenetic location: 3q22.3.
Variant type: Deletion.
Coding change: c.1379_1385del on transcript NM_000532.5 (MANE Select); coding-DNA positions 1379 to 1385, 7 bases deleted (TTGCAGT; older notation c.1379_1385delTTGCAGT).
Protein change: p.Ile460fs; shifts the reading frame from isoleucine 460.
Molecular consequence: frameshift variant.
Genome position (GRCh38, 1-based): chr3:136,327,713-136,327,719, TTGCAGT deleted. VCF-style (leftmost placement, unchanged base first): chr3-136327712-ATTGCAGT-A. GRCh37 (hg19) VCF-style: chr3-136046554-ATTGCAGT-A.
Other names: c.1379_1385del (NM_000532.4); c.1379_1385del7 (NM_000532.4); c.1439_1445del, p.Ile480fs (NM_001178014.2); short protein forms I480fs, I460fs.
Identifiers: ClinVar variation 558001 (VCV000558001.11), dbSNP rs1553784721, ClinGen allele CA546477248.
Genomic context (GRCh38, chr3:136,327,712, plus strand): 5'-GATGTCATGAGCTCTAAGCACCTTTGTGGTGATACCAACTATGCCTGGCCCACCGCAGAG[ATTGCAGT>A]CATGGGAGCAAAGGTGAGGGCCTCTTGCTTTTCCCTTTCTGGGTCCAAGGACTCGACTCT-3'